The following is an entry in ClinVar:

ClinVar aggregate classification (germline): Uncertain significance (1 of 4 stars; one submission).

gnomAD v4.1: 36 of 1,614,218 alleles (0.0022%); highest among the groups gnomAD compares: African/African-American, 0.041%; no homozygotes.

Submission:

Labcorp Genetics (formerly Invitae), Labcorp
Classification: Uncertain significance. Last evaluated: 2024-07-16. Review status: criteria provided, single submitter. Criteria: Invitae Variant Classification Sherloc (09022015). Collection method: clinical testing. Allele origin: germline.
Comment: This sequence change replaces serine, which is neutral and polar, with alanine, which is neutral and non-polar, at codon 1258 of the IGF1R protein (p.Ser1258Ala). This variant is present in population databases (rs368065238, gnomAD 0.04%). This variant has not been reported in the literature in individuals affected with IGF1R-related conditions. Advanced modeling of protein sequence and biophysical properties (such as structural, functional, and spatial information, amino acid conservation, physicochemical variation, residue mobility, and thermodynamic stability) performed at Invitae indicates that this missense variant is not expected to disrupt IGF1R protein function with a negative predictive value of 80%. In summary, the available evidence is currently insufficient to determine the role of this variant in disease. Therefore, it has been classified as a Variant of Uncertain Significance.

NM_000875.5(IGF1R):c.3772T>G (p.Ser1258Ala)

Gene: IGF1R (insulin like growth factor 1 receptor; plus strand). Cytogenetic location: 15q26.3.
Variant type: single nucleotide variant.
Coding change: c.3772T>G on transcript NM_000875.5 (MANE Select); coding-DNA position 3772, T replaced by G.
Protein change: p.Ser1258Ala; replaces serine 1258 with alanine.
Molecular consequence: missense variant.
Genome position (GRCh38, 1-based): chr15:98,957,110, T>G. VCF-style: chr15-98957110-T-G. GRCh37 (hg19) VCF-style: chr15-99500339-T-G.
Other names: c.3769T>G, p.Ser1257Ala (NM_001291858.2); short protein forms S1258A, S1257A.
Identifiers: ClinVar variation 3718431 (VCV003718431.2).